The following is an entry in ClinVar:

NM_001793.6(CDH3):c.142G>C (p.Gly48Arg)

Genes: CDH3 (cadherin 3; plus strand), CDH3-AS1 (CDH3 antisense RNA 1; minus strand). Cytogenetic location: 16q22.1.
Variant type: single nucleotide variant.
Coding change: c.142G>C on transcript NM_001793.6 (MANE Select); coding-DNA position 142, G replaced by C.
Protein change: p.Gly48Arg; replaces glycine 48 with arginine.
Molecular consequence: missense variant. On other transcripts: intron variant (1).
Genome position (GRCh38, 1-based): chr16:68,645,732, G>C. VCF-style: chr16-68645732-G-C. GRCh37 (hg19) VCF-style: chr16-68679635-G-C.
Other names: c.142G>C, p.Gly48Arg (NM_001317195.3); c.-6+308G>C (NM_001317196.2); short protein forms G48R.
Identifiers: ClinVar variation 2125782 (VCV002125782.5), dbSNP rs1217474490, ClinGen allele CA396455365.

ClinVar aggregate classification (germline): Uncertain significance. Review status: criteria provided, multiple submitters, no conflicts (2 of 4 stars). 2 submissions from 2 submitters: Uncertain significance (2). Last evaluated 2022-10-03.

Conditions:
Inborn genetic diseases. Identifiers: MedGen C0950123, MeSH D030342.

Allele frequency attached by ClinVar (database versions not stated): gnomAD exomes below 0.00001.
gnomAD v4.1: 1 of 1,544,670 alleles (0.000065%); highest among the groups gnomAD compares: Admixed American, 0.002%; no homozygotes.

Submissions (2):

Ambry Genetics
Classification: Uncertain significance for Inborn genetic diseases. Last evaluated: 2022-10-03. Review status: criteria provided, single submitter. Criteria: Ambry Variant Classification Scheme 2023. Collection method: clinical testing. Allele origin: germline.

Labcorp Genetics (formerly Invitae), Labcorp
Classification: Uncertain significance. Last evaluated: 2022-04-12. Review status: criteria provided, single submitter. Criteria: Invitae Variant Classification Sherloc (09022015). Collection method: clinical testing. Allele origin: germline.
Comment: This variant is present in population databases (no rsID available, gnomAD 0.004%). In summary, the available evidence is currently insufficient to determine the role of this variant in disease. Therefore, it has been classified as a Variant of Uncertain Significance. Algorithms developed to predict the effect of missense changes on protein structure and function are either unavailable or do not agree on the potential impact of this missense change (SIFT: "Not Available"; PolyPhen-2: "Possibly Damaging"; Align-GVGD: "Not Available"). This variant has not been reported in the literature in individuals affected with CDH3-related conditions. This sequence change replaces glycine, which is neutral and non-polar, with arginine, which is basic and polar, at codon 48 of the CDH3 protein (p.Gly48Arg).